The following is an entry in ClinVar:

ClinVar aggregate classification (germline): Uncertain significance (1 of 4 stars; one submission).

Conditions:
Heterotopia, periventricular, X-linked dominant (PVNH1). Also called: PERIVENTRICULAR NODULAR HETEROTOPIA 4; HETEROTOPIA, PERIVENTRICULAR, 1; PERIVENTRICULAR NODULAR HETEROTOPIA 1; X-linked periventricular heterotopia. Identifiers: Orphanet 2149, Orphanet 82004, MedGen C1848213, MONDO:0010233, OMIM 300049.
Oto-palato-digital syndrome, type II (OPD2). Also called: Otopalatodigital Syndrome, Type II; FACIOPALATOOSSEOUS SYNDROME; OPD II SYNDROME; Otopalatodigital Syndrome Type 2 (FLNA-OPD2). Identifiers: Orphanet 669, Orphanet 90652, MedGen C1844696, MONDO:0010571, OMIM 304120.
Melnick-Needles syndrome (MNS). Also called: MELNICK-NEEDLES OSTEODYSPLASTY; OSTEODYSPLASTY OF MELNICK AND NEEDLES; Melnick-Needles Syndrome (FLNA-MNS). Identifiers: Orphanet 2484, MedGen C0025237, MONDO:0010650, OMIM 309350.
Frontometaphyseal dysplasia (FMD1). Identifiers: Orphanet 1826, MedGen C0265293, MONDO:0015942.

Submission:

Labcorp Genetics (formerly Invitae), Labcorp
Classification: Uncertain significance for Oto-palato-digital syndrome, type II; Heterotopia, periventricular, X-linked dominant; Frontometaphyseal dysplasia; Melnick-Needles syndrome. Last evaluated: 2025-07-30. Review status: criteria provided, single submitter. Criteria: Invitae Variant Classification Sherloc (09022015). Collection method: clinical testing. Allele origin: germline.
Comment: This sequence change falls in intron 36 of the FLNA gene. It does not directly change the encoded amino acid sequence of the FLNA protein. It affects a nucleotide within the consensus splice site. This variant is not present in population databases (gnomAD no frequency). This variant has not been reported in the literature in individuals affected with FLNA-related conditions. Variants that disrupt the consensus splice site are a relatively common cause of aberrant splicing (PMID: 17576681, 9536098). Algorithms developed to predict the effect of sequence changes on RNA splicing suggest that this variant may disrupt the consensus splice site. In summary, the available evidence is currently insufficient to determine the role of this variant in disease. Therefore, it has been classified as a Variant of Uncertain Significance.

Literature cited by the submitters: PubMed 17576681; PubMed 9536098.

NM_001110556.2(FLNA):c.6022+5G>A

Gene: FLNA (filamin A; minus strand). Cytogenetic location: Xq28.
Variant type: single nucleotide variant.
Coding change: c.6022+5G>A on transcript NM_001110556.2 (MANE Select); 5 bases into the intron after coding-DNA position 6022, G replaced by A.
Molecular consequence: intron variant.
Genome position (GRCh38, 1-based): chrX:154,353,291, C>T on the plus strand (G>A on the coding strand, the complement: FLNA is on the minus strand). VCF-style: chrX-154353291-C-T. GRCh37 (hg19) VCF-style: chrX-153581659-C-T.
Other names: c.5998+5G>A (NM_001456.4).
Identifiers: ClinVar variation 4785725 (VCV004785725.1).